The following is an entry in ClinVar:

ClinVar aggregate classification (germline): Pathogenic/Likely pathogenic. Review status: criteria provided, multiple submitters, no conflicts (2 of 4 stars). 2 submissions from 2 submitters: Pathogenic (1); Likely pathogenic (1). Last evaluated 2024-04-15.

Conditions:
Argininosuccinate lyase deficiency. Also called: Argininosuccinic aciduria; ARGININOSUCCINIC ACID LYASE DEFICIENCY; ASL DEFICIENCY. Identifiers: Orphanet 23, MedGen C0268547, MONDO:0008815, OMIM 207900, HP:0025630.

Submissions (2):

Natera, Inc.
Classification: Likely pathogenic for Argininosuccinate lyase deficiency. Last evaluated: 2024-04-15. Review status: criteria provided, single submitter. Criteria: Natera Variant Classification Schema (03/2026). Collection method: clinical testing. Allele origin: germline.
Comment: The c.257A>C variant in ASL is a missense variant predicted to cause substitution of glutamic acid to alanine at amino acid 86. This variant is rare in the general population with a frequency below the threshold expected for the associated phenotype(s). This variant has been observed in one or more individuals affected with the associated recessive disease, as either homozygous or compound heterozygous with a second variant (PMID: 10896281, 24166829). Computational prediction algorithms indicate this variant is likely to affect gene or protein function. Given the available evidence, this variant is classified as Likely Pathogenic.

SNPedia
Classification: Pathogenic for Argininosuccinate lyase deficiency. Review status: criteria provided, single submitter. Criteria: Linnebank et al. (Hum Genet. 2002). Collection method: literature only. Allele origin: germline. Affected: yes.

Literature cited by the submitters: PubMed 10896281 (cited by Natera, Inc.); PubMed 24166829 (cited by Natera, Inc.).

NM_000048.4(ASL):c.257A>C (p.Glu86Ala)

Gene: ASL (argininosuccinate lyase; plus strand). Cytogenetic location: 7q11.21.
Variant type: single nucleotide variant.
Coding change: c.257A>C on transcript NM_000048.4 (MANE Select); coding-DNA position 257, A replaced by C.
Protein change: p.Glu86Ala; replaces glutamic acid 86 with alanine.
Molecular consequence: missense variant.
Genome position (GRCh38, 1-based): chr7:66,082,417, A>C. VCF-style: chr7-66082417-A-C. GRCh37 (hg19) VCF-style: chr7-65547404-A-C.
Other names: c.257A>C, p.Glu86Ala (NM_001024943.2, NM_001024944.2, NM_001024946.2); short protein forms E86A.
Identifiers: ClinVar variation 224971 (VCV000224971.2), dbSNP rs869312986, ClinGen allele CA357221.
Genomic context (GRCh38, chr7:66,082,417, plus strand): 5'-ACCCACTACAGGTGGCTGAGGAGTGGGCCCAGGGCACCTTCAAACTGAACTCCAATGATG[A>C]GGACATCCACACAGCCAATGAGCGCCGCCTGAAGGTACGACCCCTGGAGCCCCACCGCTT-3'
Protein context (NP_000039.2, residues 76-96): QGTFKLNSND[Glu86Ala]DIHTANERRL